The following is an entry in ClinVar:

NM_003190.5(TAPBP):c.184C>G (p.Pro62Ala)

Gene: TAPBP (TAP binding protein; minus strand). Cytogenetic location: 6p21.32.
Variant type: single nucleotide variant.
Coding change: c.184C>G on transcript NM_003190.5 (MANE Select); coding-DNA position 184, C replaced by G.
Protein change: p.Pro62Ala; replaces proline 62 with alanine.
Molecular consequence: missense variant.
Genome position (GRCh38, 1-based): chr6:33,313,718, G>C on the plus strand (C>G on the coding strand, the complement: TAPBP is on the minus strand). VCF-style: chr6-33313718-G-C. GRCh37 (hg19) VCF-style: chr6-33281495-G-C.
Other names: c.184C>G, p.Pro62Ala (NM_001410875.1, NM_172208.3, NM_172209.3); short protein forms P62A.
Identifiers: ClinVar variation 2866687 (VCV002866687.3), dbSNP rs2536781731, ClinGen allele CA363622143.

ClinVar aggregate classification (germline): Uncertain significance (1 of 4 stars; one submission).

Conditions:
MHC class I deficiency. Identifiers: Orphanet 34592, MedGen C6024714, MONDO:0011476.

Submission:

Labcorp Genetics (formerly Invitae), Labcorp
Classification: Uncertain significance for MHC class I deficiency 1. Last evaluated: 2023-05-21. Review status: criteria provided, single submitter. Criteria: Invitae Variant Classification Sherloc (09022015). Collection method: clinical testing. Allele origin: germline.
Comment: In summary, the available evidence is currently insufficient to determine the role of this variant in disease. Therefore, it has been classified as a Variant of Uncertain Significance. An algorithm developed to predict the effect of missense changes on protein structure and function (PolyPhen-2) suggests that this variant is likely to be disruptive. This variant has not been reported in the literature in individuals affected with TAPBP-related conditions. This variant is not present in population databases (gnomAD no frequency). This sequence change replaces proline, which is neutral and non-polar, with alanine, which is neutral and non-polar, at codon 62 of the TAPBP protein (p.Pro62Ala).